The following is an entry in ClinVar:

NM_015443.4(KANSL1):c.1568G>T (p.Gly523Val)

Gene: KANSL1 (KAT8 regulatory NSL complex subunit 1). Cytogenetic location: 17q21.31.
Variant type: single nucleotide variant.
Coding change: c.1568G>T on transcript NM_015443.4 (MANE Select); coding-DNA position 1568, G replaced by T.
Protein change: p.Gly523Val; replaces glycine 523 with valine.
Molecular consequence: missense variant.
Genome position (GRCh38, 1-based): chr17:46,067,633, C>A on the plus strand (G>T on the coding strand, the complement: KANSL1 is on the minus strand). VCF-style: chr17-46067633-C-A. GRCh37 (hg19) VCF-style: chr17-44144999-C-A.
Other names: c.1568G>T, p.Gly523Val (NM_001405855.1, NM_001405856.1, NM_001405857.1 and 14 more transcripts); c.1466G>T, p.Gly489Val (NM_001405859.1, NM_001405860.1, NM_001405861.1 and 1 more transcripts); c.302G>T, p.Gly101Val (NM_001405882.1, NM_001405883.1, NM_001405884.1 and 1 more transcripts); short protein forms G523V, G101V, G489V.
Identifiers: ClinVar variation 2718122 (VCV002718122.3), dbSNP rs1568411157, ClinGen allele CA399987701.
Genomic context (GRCh38, chr17:46,067,633, plus strand): 5'-CTGAGTGCTCCACATGATTTGGTAGACAGTGACTCTGAAATATGACCAATAATAGGGGCA[C>A]CATGGTTTTCCAATGGCTGAGAAACAGACTCAATCTGATTAAGAAAAAGGAAAAAAGAAA-3'
Protein context (NP_056258.1, residues 513-533): ESVSQPLENH[Gly523Val]APIIGHISES

ClinVar aggregate classification (germline): Uncertain significance (1 of 4 stars; one submission).

Conditions:
Koolen-de Vries syndrome (KDVS). Identifiers: Orphanet 96169, MedGen C1864871, MONDO:0012496, OMIM 610443.

Allele frequency attached by ClinVar (database versions not stated): gnomAD exomes 0.00001.
gnomAD v4.1: 5 of 1,600,676 alleles (0.00031%); highest among the groups gnomAD compares: Non-Finnish European, 0.00043%; no homozygotes.

Submission:

Labcorp Genetics (formerly Invitae), Labcorp
Classification: Uncertain significance for Koolen-de Vries syndrome. Last evaluated: 2022-12-02. Review status: criteria provided, single submitter. Criteria: Invitae Variant Classification Sherloc (09022015). Collection method: clinical testing. Allele origin: germline.
Comment: In summary, the available evidence is currently insufficient to determine the role of this variant in disease. Therefore, it has been classified as a Variant of Uncertain Significance. Advanced modeling of protein sequence and biophysical properties (such as structural, functional, and spatial information, amino acid conservation, physicochemical variation, residue mobility, and thermodynamic stability) performed at Invitae indicates that this missense variant is not expected to disrupt KANSL1 protein function. This variant has not been reported in the literature in individuals affected with KANSL1-related conditions. This variant is not present in population databases (gnomAD no frequency). This sequence change replaces glycine, which is neutral and non-polar, with valine, which is neutral and non-polar, at codon 523 of the KANSL1 protein (p.Gly523Val).